The following is an entry in ClinVar:

NM_005431.2(XRCC2):c.353T>G (p.Val118Gly)

Gene: XRCC2 (X-ray repair cross complementing 2; minus strand). Cytogenetic location: 7q36.1.
Variant type: single nucleotide variant.
Coding change: c.353T>G on transcript NM_005431.2 (MANE Select); coding-DNA position 353, T replaced by G.
Protein change: p.Val118Gly; replaces valine 118 with glycine.
Molecular consequence: missense variant.
Genome position (GRCh38, 1-based): chr7:152,649,132, A>C on the plus strand (T>G on the coding strand, the complement: XRCC2 is on the minus strand). VCF-style: chr7-152649132-A-C. GRCh37 (hg19) VCF-style: chr7-152346217-A-C.
Other names: short protein forms V118G.
Identifiers: ClinVar variation 246036 (VCV000246036.19), dbSNP rs185815454, ClinGen allele CA10584279.

ClinVar aggregate classification (germline): Uncertain significance. Review status: criteria provided, multiple submitters, no conflicts (2 of 4 stars). 7 submissions from 7 submitters: Uncertain significance (6). 1 of the submissions does not count toward it. Last evaluated 2024-11-09.

Conditions:
XRCC2-related disorder. Also called: XRCC2-related condition.
Hereditary cancer-predisposing syndrome. Also called: Hereditary Cancer Syndrome; Tumor predisposition; Hereditary neoplastic syndrome; Neoplastic Syndromes, Hereditary. Identifiers: Orphanet 140162, MedGen C0027672, MeSH D009386, MONDO:0015356.

gnomAD v4.1: 9 of 1,613,776 alleles (0.00056%); highest among the groups gnomAD compares: Middle Eastern, 0.033%; no homozygotes.

Submissions (7):

Ambry Genetics
Classification: Uncertain significance for Hereditary cancer-predisposing syndrome. Last evaluated: 2024-11-09. Review status: criteria provided, single submitter. Criteria: Ambry Variant Classification Scheme 2023. Collection method: clinical testing. Allele origin: germline.
Comment: The p.V118G variant (also known as c.353T>G), located in coding exon 3 of the XRCC2 gene, results from a T to G substitution at nucleotide position 353. The valine at codon 118 is replaced by glycine, an amino acid with dissimilar properties. This amino acid position is highly conserved in available vertebrate species. In addition, the in silico prediction for this alteration is inconclusive. Since supporting evidence is limited at this time, the clinical significance of this alteration remains unclear.

Labcorp Genetics (formerly Invitae), Labcorp
Classification: Uncertain significance. Last evaluated: 2024-05-06. Review status: criteria provided, single submitter. Criteria: Invitae Variant Classification Sherloc (09022015). Collection method: clinical testing. Allele origin: germline.
Comment: This sequence change replaces valine, which is neutral and non-polar, with glycine, which is neutral and non-polar, at codon 118 of the XRCC2 protein (p.Val118Gly). This variant is not present in population databases (gnomAD no frequency). This variant has not been reported in the literature in individuals affected with XRCC2-related conditions. ClinVar contains an entry for this variant (Variation ID: 246036). Advanced modeling of protein sequence and biophysical properties (such as structural, functional, and spatial information, amino acid conservation, physicochemical variation, residue mobility, and thermodynamic stability) performed at Invitae indicates that this missense variant is expected to disrupt XRCC2 protein function with a positive predictive value of 80%. In summary, the available evidence is currently insufficient to determine the role of this variant in disease. Therefore, it has been classified as a Variant of Uncertain Significance.

Blueprint Genetics
Classification: Uncertain significance. Last evaluated: 2023-04-14. Review status: criteria provided, single submitter. Criteria: ACMG Guidelines, 2015. Collection method: clinical testing. Allele origin: germline.

Genetic Services Laboratory, University of Chicago
Classification: Uncertain significance. Last evaluated: 2023-01-29. Review status: criteria provided, single submitter. Criteria: ACMG Guidelines, 2015. Collection method: clinical testing. Allele origin: germline. Affected: no.
Comment: DNA sequence analysis of the XRCC2 gene demonstrated a sequence change, c.353T>G, in exon 3 that results in an amino acid change, p.Val118Gly. This sequence change does not appear to have been previously described in individuals with XRCC2-related disorders and has also not been described in population databases such as ExAC and gnomAD. The p.Val118Gly change affects a moderately conserved amino acid residue located in a domain of the XRCC2 protein that is known to be functional. In-silico pathogenicity prediction tools (SIFT, PolyPhen2, Align GVGD, REVEL) provide contradictory results for the p.Val118Gly substitution. Due to insufficient evidences and the lack of functional studies, the clinical significance of the p.Val118Gly change remains unknown at this time.

Sema4
Classification: Uncertain significance for Hereditary cancer-predisposing syndrome. Last evaluated: 2022-01-03. Review status: criteria provided, single submitter. Criteria: Sema4 Curation Guidelines. Collection method: curation. Allele origin: germline.
Comment: The XRCC2 c.353T>G (p.V118G) variant has been reported in heterozygosity in at least one individual with breast cancer (PMID: 33471991). This variant has not been reported in the large and broad cohorts of the Genome Aggregation Database (PMID: 32461654). This variant has been reported in ClinVar (Variation ID: 246036). Functional studies have not been performed, and in silico predictions of the variant's effect on protein function are inconclusive. The evidence is insufficient to meet ACMG/AMP criteria for classifying the variant as benign or pathogenic. Thus, the clinical significance of this variant is currently uncertain.

GeneDx
Classification: Uncertain significance. Last evaluated: 2015-10-30. Review status: criteria provided, single submitter. Criteria: GeneDx Variant Classification (06012015). Collection method: clinical testing. Allele origin: germline. Affected: yes.
Comment: This variant is denoted XRCC2 c.353T>G at the cDNA level, p.Val118Gly (V118G) at the protein level, and results in the change of a Valine to a Glycine (GTG>GGG). This variant has not, to our knowledge, been published in the literature as pathogenic or benign. XRCC2 Val118Gly was not observed in approximately 6,500 individuals of European and African American ancestry in the NHLBI Exome Sequencing Project, suggesting it is not a common benign variant in these populations. Since Valine and Glycine share similar properties, this is considered a conservative amino acid substitution. XRCC2 Val118Gly occurs at a position where amino acids with properties similar to Valine are tolerated across species and is not located in a known functional domain. In silico analyses predict that this variant is probably damaging to protein structure and function. Based on currently available evidence, it is unclear whether XRCC2 Val118Gly is a pathogenic or benign variant. We consider it to be a variant of uncertain significance.

PreventionGenetics, part of Exact Sciences
Classification: Uncertain significance for XRCC2-related condition. Last evaluated: 2024-02-09. Review status: no assertion criteria provided. Collection method: clinical testing. Allele origin: germline. Not counted in ClinVar's aggregate classification.
Comment: The XRCC2 c.353T>G variant is predicted to result in the amino acid substitution p.Val118Gly. To our knowledge, this variant has not been reported in the literature or in a large population database, indicating this variant is rare. At this time, the clinical significance of this variant is uncertain due to the absence of conclusive functional and genetic evidence.

Literature cited by the submitters: PubMed 33471991 (cited by Sema4).